The following is an entry in ClinVar:

ClinVar aggregate classification (germline): Conflicting classifications of pathogenicity. Review status: criteria provided, conflicting classifications (1 of 4 stars). 5 submissions from 5 submitters: Uncertain significance (4); Likely benign (1). Last evaluated 2025-12-10.

Conditions:
Hereditary breast ovarian cancer syndrome. Also called: Hereditary breast and ovarian cancer syndrome; Hereditary breast and ovarian cancer; Hereditary breast and ovarian cancer syndrome (HBOC); Breast and ovarian cancer; Hereditary breast and/or ovarian cancer syndrome; BRCA1- and BRCA2-Associated Hereditary Breast and Ovarian Cancer. Identifiers: Orphanet 145, MedGen C0677776, MeSH D061325, MONDO:0003582. Disease mechanism: loss of function.
Hereditary cancer-predisposing syndrome. Also called: Neoplastic Syndromes, Hereditary; Tumor predisposition; Hereditary Cancer Syndrome; Hereditary neoplastic syndrome. Identifiers: Orphanet 140162, MedGen C0027672, MeSH D009386, MONDO:0015356.

Allele frequency attached by ClinVar (database versions not stated): gnomAD exomes below 0.00001.
gnomAD v4.1: 7 of 1,613,978 alleles (0.00043%); highest among the groups gnomAD compares: Non-Finnish European, 0.00051%; no homozygotes.

Submissions (5):

Ambry Genetics
Classification: Uncertain significance for Hereditary cancer-predisposing syndrome. Last evaluated: 2025-12-10. Review status: criteria provided, single submitter. Criteria: Ambry Variant Classification Scheme 2023. Collection method: clinical testing. Allele origin: germline.
Comment: The p.P698L variant (also known as c.2093C>T), located in coding exon 9 of the BRCA1 gene, results from a C to T substitution at nucleotide position 2093. The proline at codon 698 is replaced by leucine, an amino acid with similar properties. This amino acid position is not well conserved in available vertebrate species. In addition, the in silico prediction for this alteration is inconclusive. Based on the available evidence, the clinical significance of this variant remains unclear.

Labcorp Genetics (formerly Invitae), Labcorp
Classification: Uncertain significance for Hereditary breast ovarian cancer syndrome. Last evaluated: 2025-04-18. Review status: criteria provided, single submitter. Criteria: Invitae Variant Classification Sherloc (09022015). Collection method: clinical testing. Allele origin: germline.
Comment: This sequence change replaces proline, which is neutral and non-polar, with leucine, which is neutral and non-polar, at codon 698 of the BRCA1 protein (p.Pro698Leu). This variant is not present in population databases (gnomAD no frequency). This missense change has been observed in individual(s) with ependymoma and/or high-risk of breast cancer and/or ovarian cancer (PMID: 22476429, 26580448). ClinVar contains an entry for this variant (Variation ID: 482905). Invitae Evidence Modeling of protein sequence and biophysical properties (such as structural, functional, and spatial information, amino acid conservation, physicochemical variation, residue mobility, and thermodynamic stability) indicates that this missense variant is not expected to disrupt BRCA1 protein function with a negative predictive value of 80%. In summary, the available evidence is currently insufficient to determine the role of this variant in disease. Therefore, it has been classified as a Variant of Uncertain Significance.

Women's Health and Genetics/Laboratory Corporation of America, LabCorp
Classification: Uncertain significance. Last evaluated: 2024-08-20. Review status: criteria provided, single submitter. Criteria: LabCorp Variant Classification Summary - May 2015. Collection method: clinical testing. Allele origin: germline.
Comment: Variant summary: BRCA1 c.2093C>T (p.Pro698Leu) results in a non-conservative amino acid change in the encoded protein sequence. Three of five in-silico tools predict a benign effect of the variant on protein function. The variant was absent in 251184 control chromosomes (gnomAD). The available data on variant occurrences in the general population are insufficient to allow any conclusion about variant significance. c.2093C>T has been reported in the literature in individuals affected with Breast Cancer or with Ependymoma without strong evidence of causality (Lu_2012, Zhang_2015). These reports do not provide unequivocal conclusions about association of the variant with Hereditary Breast And Ovarian Cancer Syndrome. To our knowledge, no experimental evidence demonstrating an impact on protein function has been reported. The following publications have been ascertained in the context of this evaluation (PMID: 22476429, 26580448). ClinVar contains an entry for this variant (Variation ID: 482905). Based on the evidence outlined above, the variant was classified as uncertain significance.

Color Diagnostics, LLC DBA Color Health
Classification: Uncertain significance for Hereditary cancer-predisposing syndrome. Last evaluated: 2024-01-04. Review status: criteria provided, single submitter. Criteria: ACMG Guidelines, 2015. Collection method: clinical testing. Allele origin: germline.
Comment: This missense variant replaces proline with leucine at codon 698 of the BRCA1 protein. Computational prediction suggests that this variant may not impact protein structure and function. To our knowledge, functional studies have not been reported for this variant. This variant has been reported in a suspected hereditary breast and ovarian cancer family (PMID: 22476429) and in an individual affected with pediatric ependymoma (PMID: 26580448). This variant has not been identified in the general population by the Genome Aggregation Database (gnomAD). The available evidence is insufficient to determine the role of this variant in disease conclusively. Therefore, this variant is classified as a Variant of Uncertain Significance.

University of Washington Department of Laboratory Medicine, University of Washington
Classification: Likely benign for Hereditary cancer-predisposing syndrome. Last evaluated: 2023-03-23. Review status: criteria provided, single submitter. Criteria: Dines et al. (Genet Med. 2020). Collection method: curation. Allele origin: germline.
Comment: Missense variant in a coldspot region where missense variants are very unlikely to be pathogenic (PMID:31911673).

BRCA1 coldspot (exon 11 using historical exon numbering). Reclassification based on statistical prior probability

Literature cited by the submitters: PubMed 22476429 (cited by 3 submitters); PubMed 26580448 (cited by 3 submitters).

NM_007294.4(BRCA1):c.2093C>T (p.Pro698Leu)

Gene: BRCA1 (BRCA1 DNA repair associated; minus strand). Cytogenetic location: 17q21.31.
Variant type: single nucleotide variant.
Coding change: c.2093C>T on transcript NM_007294.4 (MANE Select); coding-DNA position 2093, C replaced by T.
Protein change: p.Pro698Leu; replaces proline 698 with leucine.
Molecular consequence: missense variant. On other transcripts: intron variant (137).
Genome position (GRCh38, 1-based): chr17:43,093,438, G>A on the plus strand (C>T on the coding strand, the complement: BRCA1 is on the minus strand). VCF-style: chr17-43093438-G-A. GRCh37 (hg19) VCF-style: chr17-41245455-G-A.
Other names: c.454+1306C>T (NM_001408502.1); c.1880C>T, p.Pro627Leu (NM_001407571.1, NM_001407853.1, NM_001407894.1 and 9 more transcripts); c.2093C>T, p.Pro698Leu (NM_001407581.1, NM_001407582.1, NM_001407583.1 and 30 more transcripts); c.2090C>T, p.Pro697Leu (NM_001407587.1, NM_001407590.1, NM_001407591.1 and 22 more transcripts); c.2084C>T, p.Pro695Leu (NM_001407646.1, NM_001407647.1); c.1970C>T, p.Pro657Leu (NM_001407648.1, NM_001407664.1, NM_001407665.1 and 19 more transcripts); c.1967C>T, p.Pro656Leu (NM_001407649.1, NM_001407670.1, NM_001407671.1 and 11 more transcripts); c.2015C>T, p.Pro672Leu (NM_001407653.1, NM_001407654.1, NM_001407655.1 and 4 more transcripts); and 41 more; short protein forms P698L, P651L, P570L, P571L, P586L, P627L, P650L, P672L.
Identifiers: ClinVar variation 482905 (VCV000482905.24), dbSNP rs1555590478, ClinGen allele CA10597813.
Genomic context (GRCh38, chr17:43,093,438, plus strand): 5'-AGTTCACTGGTATTTGAACACTTAGTAAAAGAACCAGGTGCATTTGTTAACTTCAGCTCT[G>A]GGAAAGTATCGCTGTCATGTCTTTTACTTGTCTGTTCATTTGGCTTGTTACTCTTCTTGG-3'
Protein context (NP_009225.1, residues 688-708): TSKRHDSDTF[Pro698Leu]ELKLTNAPGS